The following is an entry in ClinVar:

ClinVar aggregate classification (germline): Uncertain significance. Review status: criteria provided, multiple submitters, no conflicts (2 of 4 stars). 3 submissions from 3 submitters: Uncertain significance (3). Last evaluated 2024-04-22.

Conditions:
Bone fragility with contractures, arterial rupture, and deafness. Also called: LH3 DEFICIENCY; LYSYL HYDROXYLASE 3 DEFICIENCY; BCARD SYNDROME; BONE ABNORMALITIES, CATARACT, ARTERIAL RUPTURE, AND DEAFNESS. Identifiers: Orphanet 300284, MedGen C2676285, MONDO:0012892, OMIM 612394.

Allele frequency attached by ClinVar (database versions not stated): ExAC 0.00007; ESP Exome Variant Server 0.00008; gnomAD exomes 0.00008; gnomAD 0.00009 and 0.00011; TOPMed 0.00011.
gnomAD v4.1: 214 of 1,612,138 alleles (0.013%); highest among the groups gnomAD compares: Non-Finnish European, 0.016%; no homozygotes.

Submissions (3):

GeneDx
Classification: Uncertain significance. Last evaluated: 2024-04-22. Review status: criteria provided, single submitter. Criteria: GeneDx Variant Classification Process June 2021. Collection method: clinical testing. Allele origin: germline. Affected: yes.
Comment: In silico analysis supports that this missense variant has a deleterious effect on protein structure/function; Has not been previously published as pathogenic or benign to our knowledge

Labcorp Genetics (formerly Invitae), Labcorp
Classification: Uncertain significance. Last evaluated: 2022-03-27. Review status: criteria provided, single submitter. Criteria: Invitae Variant Classification Sherloc (09022015). Collection method: clinical testing. Allele origin: germline.
Comment: This sequence change replaces glycine, which is neutral and non-polar, with arginine, which is basic and polar, at codon 224 of the PLOD3 protein (p.Gly224Arg). This variant is present in population databases (rs377578690, gnomAD 0.02%). This variant has not been reported in the literature in individuals affected with PLOD3-related conditions. ClinVar contains an entry for this variant (Variation ID: 1204488). Algorithms developed to predict the effect of missense changes on protein structure and function (SIFT, PolyPhen-2, Align-GVGD) all suggest that this variant is likely to be disruptive. In summary, the available evidence is currently insufficient to determine the role of this variant in disease. Therefore, it has been classified as a Variant of Uncertain Significance.

Molecular Genetics, Royal Melbourne Hospital
Classification: Uncertain significance for Bone fragility with contractures, arterial rupture, and deafness. Last evaluated: 2020-11-30. Review status: criteria provided, single submitter. Criteria: ACMG Guidelines, 2015. Collection method: clinical testing. Allele origin: germline. Affected: yes.
Comment: This sequence change is predicted to replace glycine with arginine at codon 224 of the PLOD3 protein (p.(Gly224Arg)). The glycine residue is highly conserved but arginine is present in a single higher vertebrate (100 vertebrates, UCSC), and is located in a region required for glycosyltransferase activity (UniProt). There is a large physicochemical difference between glycine and arginine. The variant is present in a large population cohort at a frequency of 0.009%, which is consistent with a recessive condition (rs377578690, 26/282,890 alleles, 0 homozygotes in gnomAD v2.1). The variant has not bee reported in the relevant medical literature or databases. Multiple lines of computational evidence predict a deleterious effect for the missense substitution (5/6 algorithms). A missense variant affecting an adjacent amino acid (p.Asn223Ser) has been identified in an individual with lysyl hydroxylase 3 deficiency (PMID: 18834968). Based on the classification scheme RMH Modified ACMG Guidelines v1.3.0, this variant is classified as a VARIANT OF UUNCERTAIN SIGNIFICANCE. Following criteria are met: PM2_Supporting, PP3.

Literature cited by the submitters: PubMed 18834968 (cited by Molecular Genetics, Royal Melbourne Hospital).

NM_001084.5(PLOD3):c.670G>C (p.Gly224Arg)

Gene: PLOD3 (procollagen-lysine,2-oxoglutarate 5-dioxygenase 3; minus strand). Cytogenetic location: 7q22.1.
Variant type: single nucleotide variant.
Coding change: c.670G>C on transcript NM_001084.5 (MANE Select); coding-DNA position 670, G replaced by C.
Protein change: p.Gly224Arg; replaces glycine 224 with arginine.
Molecular consequence: missense variant.
Genome position (GRCh38, 1-based): chr7:101,215,098, C>G on the plus strand (G>C on the coding strand, the complement: PLOD3 is on the minus strand). VCF-style: chr7-101215098-C-G. GRCh37 (hg19) VCF-style: chr7-100858379-C-G.
Other names: short protein forms G224R.
Identifiers: ClinVar variation 1204488 (VCV001204488.12), dbSNP rs377578690, ClinGen allele CA4408095.
Genomic context (GRCh38, chr7:101,215,098, plus strand): 5'-CCTAGCTGCAGAGGCTGCGCATCGCCCACCTGCGGCTGTCTTCCTCCTCACCTAAAGCCC[C>G]GTTGAGGTTCTGAAAGATCCGAGACTTATGATCCAGATTAAGGCTGAGTTTCTCCTAAAT-3'
Protein context (NP_001075.1, residues 214-234): HKSRIFQNLN[Gly224Arg]ALDEVVLKFD